The following is an entry in ClinVar:

ClinVar aggregate classification (germline): Uncertain significance (1 of 4 stars; one submission).

Conditions:
Hereditary cancer-predisposing syndrome. Also called: Tumor predisposition; Neoplastic Syndromes, Hereditary; Hereditary neoplastic syndrome; Hereditary Cancer Syndrome. Identifiers: Orphanet 140162, MedGen C0027672, MeSH D009386, MONDO:0015356.

Submission:

Color Diagnostics, LLC DBA Color Health
Classification: Uncertain significance for Hereditary cancer-predisposing syndrome. Last evaluated: 2023-12-04. Review status: criteria provided, single submitter. Criteria: ACMG Guidelines, 2015. Collection method: clinical testing. Allele origin: germline.
Comment: This missense variant replaces glycine with valine at codon 1836 of the APC protein. Computational prediction is inconclusive regarding the impact of this variant on protein structure and function (internally defined REVEL score threshold 0.5 < inconclusive < 0.7, PMID: 27666373). To our knowledge, functional studies have not been reported for this variant. This variant has not been reported in individuals affected with APC-related disorders in the literature. This variant has not been identified in the general population by the Genome Aggregation Database (gnomAD). The available evidence is insufficient to determine the role of this variant in disease conclusively. Therefore, this variant is classified as a Variant of Uncertain Significance.

NM_000038.6(APC):c.5507G>T (p.Gly1836Val)

Gene: APC (APC regulator of Wnt signaling pathway; plus strand). Cytogenetic location: 5q22.2.
Variant type: single nucleotide variant.
Coding change: c.5507G>T on transcript NM_000038.6 (MANE Select); coding-DNA position 5507, G replaced by T.
Protein change: p.Gly1836Val; replaces glycine 1836 with valine.
Molecular consequence: missense variant.
Genome position (GRCh38, 1-based): chr5:112,841,101, G>T. VCF-style: chr5-112841101-G-T. GRCh37 (hg19) VCF-style: chr5-112176798-G-T.
Other names: c.5507G>T, p.Gly1836Val (NM_001127510.3, NM_001354895.2); c.5453G>T, p.Gly1818Val (NM_001127511.3); c.5561G>T, p.Gly1854Val (NM_001354896.2); c.5537G>T, p.Gly1846Val (NM_001354897.2); c.5432G>T, p.Gly1811Val (NM_001354898.2); c.5423G>T, p.Gly1808Val (NM_001354899.2); c.5384G>T, p.Gly1795Val (NM_001354900.2); c.5330G>T, p.Gly1777Val (NM_001354901.2); and 5 more; short protein forms G1818V, G1836V, G1553V, G1735V, G1777V, G1676V, G1745V, G1795V.
Identifiers: ClinVar variation 630994 (VCV000630994.5), dbSNP rs1363066852, ClinGen allele CA16033381.